The following is an entry in ClinVar:

ClinVar aggregate classification (germline): Likely benign. Review status: criteria provided, multiple submitters, no conflicts (2 of 4 stars). 3 submissions from 3 submitters: Likely benign (2). 1 of the submissions does not count toward it. Last evaluated 2026-01-26.

Conditions:
Neurofibromatosis-Noonan syndrome (NFNS). Also called: NEUROFIBROMATOSIS WITH NOONAN PHENOTYPE. Identifiers: Orphanet 638, MedGen C2931482, MONDO:0011035, OMIM 601321. Disease mechanism: loss of function.
Café-au-lait macules with pulmonary stenosis (WTSN). Also called: PULMONIC STENOSIS WITH CAFE-AU-LAIT SPOTS. Identifiers: MedGen C0553586, MONDO:0008672, OMIM 193520.
Juvenile myelomonocytic leukemia (JMML). Also called: LEUKEMIA, JUVENILE MYELOMONOCYTIC, SOMATIC. Identifiers: Orphanet 86834, MedGen C0349639, MONDO:0011908, OMIM 607785, HP:0012209.
Neurofibromatosis, familial spinal (FSNF). Identifiers: Orphanet 636, MedGen C1834235, MONDO:0008078, OMIM 162210. Disease mechanism: loss of function.
Neurofibromatosis, type 1 (NF1). Also called: VON RECKLINGHAUSEN DISEASE; Neurofibromatosis, type I; NEUROFIBROMATOSIS, TYPE I, SOMATIC; Peripheral type neurofibromatosis. Identifiers: Orphanet 636, MedGen C0027831, MONDO:0018975, OMIM 162200. Disease mechanism: loss of function.
NF1-related disorder. Also called: NF1-related condition. Identifiers: MedGen CN379171.

Allele frequency attached by ClinVar (database versions not stated): ExAC 0.00002; gnomAD exomes 0.00002; TOPMed 0.00002; gnomAD 0.00003 and 0.00004; ESP Exome Variant Server 0.00008.
gnomAD v4.1: 146 of 1,611,508 alleles (0.0091%); highest among the groups gnomAD compares: Non-Finnish European, 0.012%; no homozygotes.

Submissions (3):

Labcorp Genetics (formerly Invitae), Labcorp
Classification: Likely benign for Neurofibromatosis, type 1. Last evaluated: 2026-01-26. Review status: criteria provided, single submitter. Criteria: Invitae Variant Classification Sherloc (09022015). Collection method: clinical testing. Allele origin: germline.

Fulgent Genetics
Classification: Likely benign for Neurofibromatosis, type 1; Neurofibromatosis, familial spinal; Café-au-lait macules with pulmonary stenosis; Neurofibromatosis-Noonan syndrome; Juvenile myelomonocytic leukemia. Last evaluated: 2024-02-26. Review status: criteria provided, single submitter. Criteria: ACMG Guidelines, 2015. Collection method: clinical testing. Allele origin: germline.

PreventionGenetics, part of Exact Sciences
Classification: Likely benign for NF1-related condition. Last evaluated: 2024-06-14. Review status: no assertion criteria provided. Collection method: clinical testing. Allele origin: germline. Not counted in ClinVar's aggregate classification.
Comment: This variant is classified as likely benign based on ACMG/AMP sequence variant interpretation guidelines (Richards et al. 2015 PMID: 25741868, with internal and published modifications).

NM_001042492.3(NF1):c.2851-15T>G

Gene: NF1 (neurofibromin 1; plus strand). Cytogenetic location: 17q11.2.
Variant type: single nucleotide variant.
Coding change: c.2851-15T>G on transcript NM_001042492.3 (MANE Select); 15 bases into the intron before coding-DNA position 2851, T replaced by G.
Molecular consequence: intron variant.
Genome position (GRCh38, 1-based): chr17:31,229,820, T>G. VCF-style: chr17-31229820-T-G. GRCh37 (hg19) VCF-style: chr17-29556838-T-G.
Other names: c.2851-15T>G (NM_000267.4, NM_000267.3).
Identifiers: ClinVar variation 1632238 (VCV001632238.10), dbSNP rs371120423, ClinGen allele CA8486046.